The following is an entry in ClinVar:

NM_000089.4(COL1A2):c.1754C>T (p.Ala585Val)

Gene: COL1A2 (collagen type I alpha 2 chain; plus strand). Cytogenetic location: 7q21.3.
Variant type: single nucleotide variant.
Coding change: c.1754C>T on transcript NM_000089.4 (MANE Select); coding-DNA position 1754, C replaced by T.
Protein change: p.Ala585Val; replaces alanine 585 with valine.
Molecular consequence: missense variant.
Genome position (GRCh38, 1-based): chr7:94,415,260, C>T. VCF-style: chr7-94415260-C-T. GRCh37 (hg19) VCF-style: chr7-94044572-C-T.
Other names: short protein forms A585V.
Identifiers: ClinVar variation 4783364 (VCV004783364.1).

ClinVar aggregate classification (germline): Uncertain significance (1 of 4 stars; one submission).

Conditions:
Ehlers-Danlos syndrome, classic type, 1 (EDSCL1). Also called: EHLERS-DANLOS SYNDROME, GRAVIS TYPE; EHLERS-DANLOS SYNDROME, SEVERE CLASSIC TYPE; Ehlers-Danlos syndrome, type 1; Ehlers-Danlos Syndrome, Classic Type, COL5A1-Related; EDS I. Identifiers: MedGen C0268335, MONDO:0019567, OMIM 130000.
Osteogenesis imperfecta type I (OI1). Also called: OI, TYPE I; OSTEOGENESIS IMPERFECTA TARDA; OSTEOGENESIS IMPERFECTA WITH BLUE SCLERAE; Osteogenesis imperfecta type 1; Lobstein's Disease; Lobstein disease. Identifiers: Orphanet 216796, Orphanet 666, MedGen C0023931, MONDO:0008146, OMIM 166200. Disease mechanism: loss of function.

gnomAD v4.1: 1 of 1,613,808 alleles (0.000062%); highest among the groups gnomAD compares: Non-Finnish European, 0.000085%; no homozygotes.

Submission:

Labcorp Genetics (formerly Invitae), Labcorp
Classification: Uncertain significance for Osteogenesis imperfecta type I; Ehlers-Danlos syndrome, classic type, 1. Last evaluated: 2025-07-29. Review status: criteria provided, single submitter. Criteria: Invitae Variant Classification Sherloc (09022015). Collection method: clinical testing. Allele origin: germline.
Comment: This sequence change replaces alanine, which is neutral and non-polar, with valine, which is neutral and non-polar, at codon 585 of the COL1A2 protein (p.Ala585Val). This variant is not present in population databases (gnomAD no frequency). This variant has not been reported in the literature in individuals affected with COL1A2-related conditions. Invitae Evidence Modeling of protein sequence and biophysical properties (such as structural, functional, and spatial information, amino acid conservation, physicochemical variation, residue mobility, and thermodynamic stability) indicates that this missense variant is not expected to disrupt COL1A2 protein function with a negative predictive value of 95%. In summary, the available evidence is currently insufficient to determine the role of this variant in disease. Therefore, it has been classified as a Variant of Uncertain Significance.